The following is an entry in ClinVar:

ClinVar aggregate classification (germline): Uncertain significance (1 of 4 stars; one submission).

gnomAD v4.1: 2 of 1,244,592 alleles (0.00016%); highest among the groups gnomAD compares: Non-Finnish European, 0.0002%; no homozygotes.

Submission:

Labcorp Genetics (formerly Invitae), Labcorp
Classification: Uncertain significance. Last evaluated: 2021-12-25. Review status: criteria provided, single submitter. Criteria: Invitae Variant Classification Sherloc (09022015). Collection method: clinical testing. Allele origin: germline.
Comment: This sequence change replaces glycine, which is neutral and non-polar, with alanine, which is neutral and non-polar, at codon 2091 of the CACNA1I protein (p.Gly2091Ala). This variant is not present in population databases (gnomAD no frequency). This variant has not been reported in the literature in individuals affected with CACNA1I-related conditions. Algorithms developed to predict the effect of missense changes on protein structure and function are either unavailable or do not agree on the potential impact of this missense change (SIFT: "Tolerated"; PolyPhen-2: "Not Available"; Align-GVGD: "Class C0"). In summary, the available evidence is currently insufficient to determine the role of this variant in disease. Therefore, it has been classified as a Variant of Uncertain Significance.

NM_021096.4(CACNA1I):c.6272G>C (p.Gly2091Ala)

Gene: CACNA1I (calcium voltage-gated channel subunit alpha1 I; plus strand). Cytogenetic location: 22q13.1.
Variant type: single nucleotide variant.
Coding change: c.6272G>C on transcript NM_021096.4 (MANE Select); coding-DNA position 6272, G replaced by C.
Protein change: p.Gly2091Ala; replaces glycine 2091 with alanine.
Molecular consequence: missense variant.
Genome position (GRCh38, 1-based): chr22:39,686,005, G>C. VCF-style: chr22-39686005-G-C. GRCh37 (hg19) VCF-style: chr22-40082010-G-C.
Other names: c.6167G>C, p.Gly2056Ala (NM_001003406.2); short protein forms G2056A, G2091A.
Identifiers: ClinVar variation 1941552 (VCV001941552.5), dbSNP rs2518211639, ClinGen allele CA411647184.